The following is an entry in ClinVar:

ClinVar aggregate classification (germline): Pathogenic/Likely pathogenic. Review status: criteria provided, multiple submitters, no conflicts (2 of 4 stars). 4 submissions from 4 submitters: Pathogenic (2); Likely pathogenic (1). 1 of the submissions does not count toward it. Last evaluated 2025-02-26.

Conditions:
OTOG-related disorder. Also called: OTOG-related condition.
Autosomal recessive nonsyndromic hearing loss 18B. Also called: Deafness, autosomal recessive 18b. Identifiers: Orphanet 90636, MedGen C3554163, MONDO:0013985, OMIM 614945.

Allele frequency attached by ClinVar (database versions not stated): gnomAD exomes 0.00002; TOPMed 0.00002.
gnomAD v4.1: 72 of 1,550,388 alleles (0.0046%); highest among the groups gnomAD compares: Middle Eastern, 0.017%; no homozygotes.

Submissions (4):

GeneDx
Classification: Pathogenic. Last evaluated: 2025-02-26. Review status: criteria provided, single submitter. Criteria: GeneDx Variant Classification Process June 2021. Collection method: clinical testing. Allele origin: germline. Affected: yes.
Comment: Nonsense variant predicted to result in protein truncation or nonsense mediated decay in a gene for which loss of function is a known mechanism of disease; This variant is associated with the following publications: (PMID: 30139988, 23122587)

Labcorp Genetics (formerly Invitae), Labcorp
Classification: Pathogenic. Last evaluated: 2022-03-16. Review status: criteria provided, single submitter. Criteria: Invitae Variant Classification Sherloc (09022015). Collection method: clinical testing. Allele origin: germline.
Comment: This sequence change creates a premature translational stop signal (p.Arg2485*) in the OTOG gene. It is expected to result in an absent or disrupted protein product. Loss-of-function variants in OTOG are known to be pathogenic (PMID: 23122587). This variant is present in population databases (no rsID available, gnomAD 0.009%). This premature translational stop signal has been observed in individual(s) with deafness (PMID: 30139988). ClinVar contains an entry for this variant (Variation ID: 520437). For these reasons, this variant has been classified as Pathogenic.

Blueprint Genetics
Classification: Likely pathogenic for OTOG-related disorders. Last evaluated: 2019-12-20. Review status: criteria provided, single submitter. Criteria: ACMG Guidelines, 2015. Collection method: clinical testing. Allele origin: germline. Affected: yes. Observed: 2 variant alleles.

The Genetic Institute, Ha'emek Medical Center
Classification: Pathogenic for Autosomal recessive nonsyndromic hearing loss 18B. Last evaluated: 2017-12-06. Review status: no assertion criteria provided. Collection method: research. Allele origin: germline. Affected: yes. Not counted in ClinVar's aggregate classification.
Comment: Severe to profound SNHL

Literature cited by the submitters: PubMed 23122587 (cited by Labcorp Genetics (formerly Invitae), Labcorp); PubMed 30139988 (cited by Labcorp Genetics (formerly Invitae), Labcorp).

NM_001292063.2(OTOG):c.7417C>T (p.Arg2473Ter)

Gene: OTOG (otogelin; plus strand). Cytogenetic location: 11p15.1.
Variant type: single nucleotide variant.
Coding change: c.7417C>T on transcript NM_001292063.2 (MANE Select); coding-DNA position 7417, C replaced by T.
Protein change: p.Arg2473Ter; replaces arginine 2473 with a stop codon.
Molecular consequence: nonsense.
Genome position (GRCh38, 1-based): chr11:17,634,218, C>T. VCF-style: chr11-17634218-C-T. GRCh37 (hg19) VCF-style: chr11-17655765-C-T.
Other names: c.7453C>T, p.Arg2485Ter (NM_001277269.2); short protein forms R2485*, R2473*.
Identifiers: ClinVar variation 520437 (VCV000520437.11), dbSNP rs866476223, ClinGen allele CA218498003.